The following is an entry in ClinVar:

ClinVar aggregate classification (germline): Uncertain significance. Review status: criteria provided, multiple submitters, no conflicts (2 of 4 stars). 2 submissions from 2 submitters: Uncertain significance (2). Last evaluated 2025-08-02.

Conditions:
Arrhythmogenic right ventricular dysplasia 9 (ARVD9). Also called: Arrhythmogenic Right Ventricular Dysplasia/Cardiomyopathy 9; ARRHYTHMOGENIC RIGHT VENTRICULAR DYSPLASIA, FAMILIAL, 9. Identifiers: MedGen C1836906, MONDO:0012180, OMIM 609040.

Allele frequency attached by ClinVar (database versions not stated): gnomAD 0.00001; TOPMed 0.00001.
gnomAD v4.1: 1 of 1,604,260 alleles (0.000062%); highest among the groups gnomAD compares: African/African-American, 0.0013%; no homozygotes.

Submissions (2):

Mayo Clinic Laboratories, Mayo Clinic
Classification: Uncertain significance. Last evaluated: 2025-08-02. Review status: criteria provided, single submitter. Criteria: ACMG Guidelines, 2015. Collection method: clinical testing. Allele origin: germline. Observed: 1 variant allele.
Comment: PM2_supporting

Labcorp Genetics (formerly Invitae), Labcorp
Classification: Uncertain significance for Arrhythmogenic right ventricular dysplasia 9. Last evaluated: 2023-12-21. Review status: criteria provided, single submitter. Criteria: Invitae Variant Classification Sherloc (09022015). Collection method: clinical testing. Allele origin: germline.
Comment: This sequence change replaces tyrosine, which is neutral and polar, with cysteine, which is neutral and slightly polar, at codon 86 of the PKP2 protein (p.Tyr86Cys). This variant is present in population databases (no rsID available, gnomAD 0.007%). This variant has not been reported in the literature in individuals affected with PKP2-related conditions. An algorithm developed to predict the effect of missense changes on protein structure and function (PolyPhen-2) suggests that this variant is likely to be tolerated. In summary, the available evidence is currently insufficient to determine the role of this variant in disease. Therefore, it has been classified as a Variant of Uncertain Significance.

Literature cited by the submitters: PubMed 12941695 (cited by Mayo Clinic Laboratories, Mayo Clinic); PubMed 26572964 (cited by Mayo Clinic Laboratories, Mayo Clinic).

NM_001005242.3(PKP2):c.257A>G (p.Tyr86Cys)

Gene: PKP2 (plakophilin 2; minus strand). Cytogenetic location: 12p11.21.
Variant type: single nucleotide variant.
Coding change: c.257A>G on transcript NM_001005242.3 (MANE Select); coding-DNA position 257, A replaced by G.
Protein change: p.Tyr86Cys; replaces tyrosine 86 with cysteine.
Molecular consequence: missense variant. On other transcripts: 5 prime UTR variant (4).
Genome position (GRCh38, 1-based): chr12:32,878,999, T>C on the plus strand (A>G on the coding strand, the complement: PKP2 is on the minus strand). VCF-style: chr12-32878999-T-C. GRCh37 (hg19) VCF-style: chr12-33031933-T-C.
Other names: p.Tyr86Cys; c.257A>G, p.Tyr86Cys (NM_001407156.1, NM_001407155.1, NM_001407157.1 and 2 more transcripts); c.-71A>G (NM_001407158.1, NM_001407159.1, NM_001407160.1 and 1 more transcripts); short protein forms Y86C.
Identifiers: ClinVar variation 2797411 (VCV002797411.4), dbSNP rs1441037050, ClinGen allele CA384366621.